The following is an entry in ClinVar:

NM_001278512.2(AP3B2):c.2505_2530dup (p.Pro844fs)

Genes: AP3B2 (adaptor related protein complex 3 subunit beta 2; minus strand), CPEB1-AS1 (CPEB1 antisense RNA 1; plus strand), LOC113939947 (Sharpr-MPRA regulatory region 5793; plus strand). Cytogenetic location: 15q25.2.
Variant type: Duplication.
Coding change: c.2505_2530dup on transcript NM_001278512.2 (MANE Select); coding-DNA positions 2505 to 2530, 26 bases duplicated (TCCCAGTGTCCAGCCTGTGTCTCCCC).
Protein change: p.Pro844fs; shifts the reading frame from proline 844.
Molecular consequence: frameshift variant.
Genome position (GRCh38, 1-based): chr15:82,663,201-82,663,226, GGGGAGACACAGGCTGGACACTGGGA duplicated on the plus strand (TCCCAGTGTCCAGCCTGTGTCTCCCC on the coding strand, the reverse complement: AP3B2 is on the minus strand); duplicating any 26 consecutive bases within chr15:82,663,201-82,663,230 gives the same sequence; the c. name uses the placement nearest the transcript's 3' end. VCF-style (leftmost placement, unchanged base first): chr15-82663200-G-GGGGGAGACACAGGCTGGACACTGGGA. GRCh37 (hg19) VCF-style: chr15-83331952-G-GGGGGAGACACAGGCTGGACACTGGGA.
Other names: c.2352_2377dup, p.Pro793fs (NM_001278511.2); c.2448_2473dup, p.Pro825fs (NM_004644.5); short protein forms P793fs, P825fs, P844fs.
Identifiers: ClinVar variation 1386671 (VCV001386671.6), dbSNP rs2151428029, ClinGen allele CA2573151231.
Genomic context (GRCh38, chr15:82,663,200, plus strand): 5'-GTGGAGTCTGTGAGTGTCAGGCCCTCCAGGTCAGCAGCCAGACTGGTAGACACAATTGCT[G>GGGGGAGACACAGGCTGGACACTGGGA]GGGGAGACACAGGCTGGACACTGGGAGGGGTGACTGTGGGAGTAGATAAGACTATGAGGA-3'

ClinVar aggregate classification (germline): Pathogenic (1 of 4 stars; one submission).

Submission:

Labcorp Genetics (formerly Invitae), Labcorp
Classification: Pathogenic. Last evaluated: 2021-04-21. Review status: criteria provided, single submitter. Criteria: Invitae Variant Classification Sherloc (09022015). Collection method: clinical testing. Allele origin: germline.
Comment: For these reasons, this variant has been classified as Pathogenic. Algorithms developed to predict the effect of sequence changes on RNA splicing suggest that this variant may create or strengthen a splice site, but this prediction has not been confirmed by published transcriptional studies. This variant has not been reported in the literature in individuals with AP3B2-related conditions. This variant is not present in population databases (ExAC no frequency). This sequence change creates a premature translational stop signal (p.Pro825Leufs*24) in the AP3B2 gene. It is expected to result in an absent or disrupted protein product. Loss-of-function variants in AP3B2 are known to be pathogenic (PMID: 27889060).

Literature cited by the submitters: PubMed 27889060.